The following is an entry in ClinVar:

ClinVar aggregate classification (germline): Benign/Likely benign. Review status: criteria provided, multiple submitters, no conflicts (2 of 4 stars). 5 submissions from 5 submitters: Benign (4); Likely benign (1). Last evaluated 2026-02-01.

Allele frequency attached by ClinVar (database versions not stated): 1000 Genomes Project 30x 0.00406; 1000 Genomes Project 0.00439; ExAC 0.00998; gnomAD exomes 0.01052; TOPMed 0.01164; ESP Exome Variant Server 0.01430.
gnomAD v4.1: 28,431 of 1,613,708 alleles (1.8%); highest among the groups gnomAD compares: Non-Finnish European, 2.2%; 320 homozygotes.

Submissions (5):

Labcorp Genetics (formerly Invitae), Labcorp
Classification: Benign. Last evaluated: 2026-02-01. Review status: criteria provided, single submitter. Criteria: Invitae Variant Classification Sherloc (09022015). Collection method: clinical testing. Allele origin: germline.

CeGaT Center for Human Genetics Tuebingen
Classification: Benign. Last evaluated: 2025-09-01. Review status: criteria provided, single submitter. Criteria: CeGaT Center For Human Genetics Tuebingen Variant Classification Criteria Version 2. Collection method: clinical testing. Allele origin: germline. Affected: yes. Observed: 8 variant alleles.
Comment: RNF213: BS1, BS2

Blueprint Genetics
Classification: Likely benign. Last evaluated: 2024-11-27. Review status: criteria provided, single submitter. Criteria: ACMG Guidelines, 2015. Collection method: clinical testing. Allele origin: germline.

Mayo Clinic Laboratories, Mayo Clinic
Classification: Benign. Last evaluated: 2023-02-23. Review status: criteria provided, single submitter. Criteria: ACMG Guidelines, 2015. Collection method: clinical testing. Allele origin: germline. Observed: 8 variant alleles.
Comment: BS1, BS2

Breakthrough Genomics
Classification: Benign. Review status: criteria provided, single submitter. Criteria: ACMG Guidelines, 2015. Collection method: not provided. Allele origin: germline. Inheritance: Autosomal dominant inheritance. Affected: yes.

Literature cited by the submitters: PubMed 28686325 (cited by Mayo Clinic Laboratories, Mayo Clinic); PubMed 31903434 (cited by Mayo Clinic Laboratories, Mayo Clinic); PubMed 32367296 (cited by Mayo Clinic Laboratories, Mayo Clinic).

NM_001256071.3(RNF213):c.14030G>T (p.Trp4677Leu)

Genes: RNF213 (ring finger protein 213; plus strand), RNF213-AS1 (RNF213 antisense RNA 1; minus strand). Cytogenetic location: 17q25.3.
Variant type: single nucleotide variant.
Coding change: c.14030G>T on transcript NM_001256071.3 (MANE Select); coding-DNA position 14030, G replaced by T.
Protein change: p.Trp4677Leu; replaces tryptophan 4677 with leucine.
Molecular consequence: missense variant.
Genome position (GRCh38, 1-based): chr17:80,383,030, G>T. VCF-style: chr17-80383030-G-T. GRCh37 (hg19) VCF-style: chr17-78356830-G-T.
Other names: p.Trp4677Leu; short protein forms W4677L.
Identifiers: ClinVar variation 790465 (VCV000790465.35), dbSNP rs61741961, ClinGen allele CA8822824.